The following is an entry in ClinVar:

NM_022369.4(STRA6):c.1391T>G (p.Leu464Arg)

Gene: STRA6 (signaling receptor and transporter of retinol STRA6; minus strand). Cytogenetic location: 15q24.1.
Variant type: single nucleotide variant.
Coding change: c.1391T>G on transcript NM_022369.4 (MANE Select); coding-DNA position 1391, T replaced by G.
Protein change: p.Leu464Arg; replaces leucine 464 with arginine.
Molecular consequence: missense variant.
Genome position (GRCh38, 1-based): chr15:74,182,370, A>C on the plus strand (T>G on the coding strand, the complement: STRA6 is on the minus strand). VCF-style: chr15-74182370-A-C. GRCh37 (hg19) VCF-style: chr15-74474711-A-C.
Other names: c.1391T>G, p.Leu464Arg (NM_001142617.2, NM_001142618.2); c.1364T>G, p.Leu455Arg (NM_001142619.2); c.1502T>G, p.Leu501Arg (NM_001199040.2); c.1436T>G, p.Leu479Arg (NM_001199041.2); c.1508T>G, p.Leu503Arg (NM_001199042.2); short protein forms L464R, L479R, L501R, L455R, L503R.
Identifiers: ClinVar variation 464031 (VCV000464031.14), dbSNP rs201408425, ClinGen allele CA7654586.

ClinVar aggregate classification (germline): Likely benign. Review status: criteria provided, multiple submitters, no conflicts (2 of 4 stars). 3 submissions from 3 submitters: Likely benign (3). Last evaluated 2025-11-18.

Conditions:
STRA6-related disorder. Also called: STRA6-related condition.
Microphthalmia, syndromic 9. Also called: PULMONARY AGENESIS, MICROPHTHALMIA, AND DIAPHRAGMATIC DEFECT; SPEAR SYNDROME; ANOPHTHALMIA, CLINICAL, WITH MILD FACIAL DYSMORPHISM AND VARIABLE MALFORMATIONS OF THE LUNG, HEART, AND DIAPHRAGM; ANOPHTHALMIA/MICROPHTHALMIA AND PULMONARY HYPOPLASIA; Matthew-Wood syndrome. Identifiers: Orphanet 2470, MedGen C1832661, MONDO:0011010, OMIM 601186.

Allele frequency attached by ClinVar (database versions not stated): ESP Exome Variant Server 0.00008; gnomAD exomes 0.00015 and 0.00059; gnomAD 0.00020 and 0.00022; TOPMed 0.00032; ExAC 0.00042; 1000 Genomes Project 0.00060; 1000 Genomes Project 30x 0.00062.
gnomAD v4.1: 247 of 1,614,028 alleles (0.015%); highest among the groups gnomAD compares: Admixed American, 0.37%; 4 homozygotes.

Submissions (3):

Labcorp Genetics (formerly Invitae), Labcorp
Classification: Likely benign for Microphthalmia, syndromic 9. Last evaluated: 2025-11-18. Review status: criteria provided, single submitter. Criteria: Invitae Variant Classification Sherloc (09022015). Collection method: clinical testing. Allele origin: germline.

PreventionGenetics, part of Exact Sciences
Classification: Likely benign for STRA6-related condition. Last evaluated: 2025-10-30. Review status: criteria provided, single submitter. Criteria: ACMG Guidelines, 2015. Collection method: clinical testing. Allele origin: germline.
Comment: This variant is classified as likely benign based on ACMG/AMP sequence variant interpretation guidelines (Richards et al. 2015 PMID: 25741868, with internal and published modifications).

GeneDx
Classification: Likely benign. Last evaluated: 2018-11-01. Review status: criteria provided, single submitter. Criteria: GeneDx Variant Classification Process June 2021. Collection method: clinical testing. Allele origin: germline. Affected: yes.